The following is an entry in ClinVar:

NM_014727.3(KMT2B):c.3058+6G>A

Gene: KMT2B (lysine methyltransferase 2B; plus strand). Cytogenetic location: 19q13.12.
Variant type: single nucleotide variant.
Coding change: c.3058+6G>A on transcript NM_014727.3 (MANE Select); 6 bases into the intron after coding-DNA position 3058, G replaced by A.
Molecular consequence: intron variant.
Genome position (GRCh38, 1-based): chr19:35,723,508, G>A. VCF-style: chr19-35723508-G-A. GRCh37 (hg19) VCF-style: chr19-36214410-G-A.
Identifiers: ClinVar variation 2168945 (VCV002168945.4), dbSNP rs1048204827, ClinGen allele CA633059365.

ClinVar aggregate classification (germline): Uncertain significance (1 of 4 stars; one submission).

Allele frequency attached by ClinVar (database versions not stated): gnomAD exomes below 0.00001.
gnomAD v4.1: 5 of 1,560,600 alleles (0.00032%); highest among the groups gnomAD compares: South Asian, 0.0024%; no homozygotes.

Submission:

Labcorp Genetics (formerly Invitae), Labcorp
Classification: Uncertain significance. Last evaluated: 2026-01-19. Review status: criteria provided, single submitter. Criteria: Invitae Variant Classification Sherloc (09022015). Collection method: clinical testing. Allele origin: germline.
Comment: This sequence change falls in intron 7 of the KMT2B gene. It does not directly change the encoded amino acid sequence of the KMT2B protein. It affects a nucleotide within the consensus splice site. The frequency data for this variant in the population databases is considered unreliable, as metrics indicate poor data quality at this position in the gnomAD database. This variant has not been reported in the literature in individuals affected with KMT2B-related conditions. ClinVar contains an entry for this variant (Variation ID: 2168945). Variants that disrupt the consensus splice site are a relatively common cause of aberrant splicing (PMID: 17576681, 9536098). Algorithms developed to predict the effect of sequence changes on RNA splicing suggest that this variant is not likely to affect RNA splicing. In summary, the available evidence is currently insufficient to determine the role of this variant in disease. Therefore, it has been classified as a Variant of Uncertain Significance.

Literature cited by the submitters: PubMed 17576681; PubMed 9536098.